The following is an entry in ClinVar:

NM_000228.3(LAMB3):c.10T>C (p.Phe4Leu)

Gene: LAMB3 (laminin subunit beta 3; minus strand). Cytogenetic location: 1q32.2.
Variant type: single nucleotide variant.
Coding change: c.10T>C on transcript NM_000228.3 (MANE Select); coding-DNA position 10, T replaced by C.
Protein change: p.Phe4Leu; replaces phenylalanine 4 with leucine.
Molecular consequence: missense variant.
Genome position (GRCh38, 1-based): chr1:209,650,935, A>G on the plus strand (T>C on the coding strand, the complement: LAMB3 is on the minus strand). VCF-style: chr1-209650935-A-G. GRCh37 (hg19) VCF-style: chr1-209824280-A-G.
Other names: c.10T>C, p.Phe4Leu (NM_001017402.2, NM_001127641.1); c.10T>C (NM_000228.2); short protein forms F4L.
Identifiers: ClinVar variation 2201625 (VCV002201625.2), dbSNP rs116218572, ClinGen allele CA1376143.

ClinVar aggregate classification (germline): Conflicting classifications of pathogenicity. Review status: criteria provided, conflicting classifications (1 of 4 stars). 2 submissions from 2 submitters: Uncertain significance (1); Likely benign (1). Last evaluated 2021-11-12.

Conditions:
Inborn genetic diseases. Identifiers: MedGen C0950123, MeSH D030342.

Allele frequency attached by ClinVar (database versions not stated): gnomAD exomes 0.00004; ExAC 0.00008; ESP Exome Variant Server 0.00031; TOPMed 0.00036; gnomAD 0.00042; 1000 Genomes Project 30x 0.00047; 1000 Genomes Project 0.00060.

Submissions (2):

Ambry Genetics
Classification: Likely benign for Inborn genetic diseases. Last evaluated: 2021-11-12. Review status: criteria provided, single submitter. Criteria: Ambry Variant Classification Scheme 2023. Collection method: clinical testing. Allele origin: germline.

Labcorp Genetics (formerly Invitae), Labcorp
Classification: Uncertain significance. Last evaluated: 2021-09-17. Review status: criteria provided, single submitter. Criteria: Invitae Variant Classification Sherloc (09022015). Collection method: clinical testing. Allele origin: germline.
Comment: This sequence change replaces phenylalanine with leucine at codon 4 of the LAMB3 protein (p.Phe4Leu). The phenylalanine residue is weakly conserved and there is a small physicochemical difference between phenylalanine and leucine. This variant is present in population databases (rs116218572, ExAC 0.09%). This variant has not been reported in the literature in individuals with LAMB3-related disease. Algorithms developed to predict the effect of missense changes on protein structure and function output the following: SIFT: "Tolerated"; PolyPhen-2: "Benign"; Align-GVGD: "Class C0". The leucine amino acid residue is found in multiple mammalian species, suggesting that this missense change does not adversely affect protein function. These predictions have not been confirmed by published functional studies and their clinical significance is uncertain. In summary, the available evidence is currently insufficient to determine the role of this variant in disease. Therefore, it has been classified as a Variant of Uncertain Significance.